The following is an entry in ClinVar:

ClinVar aggregate classification (germline): Uncertain significance (1 of 4 stars; one submission).

gnomAD v4.1: 3 of 1,614,118 alleles (0.00019%); highest among the groups gnomAD compares: Non-Finnish European, 0.00025%; no homozygotes.

Submission:

Labcorp Genetics (formerly Invitae), Labcorp
Classification: Uncertain significance. Last evaluated: 2025-04-16. Review status: criteria provided, single submitter. Criteria: Invitae Variant Classification Sherloc (09022015). Collection method: clinical testing. Allele origin: germline.
Comment: This sequence change replaces aspartic acid, which is acidic and polar, with tyrosine, which is neutral and polar, at codon 281 of the PLK4 protein (p.Asp281Tyr). This variant is not present in population databases (gnomAD no frequency). This variant has not been reported in the literature in individuals affected with PLK4-related conditions. ClinVar contains an entry for this variant (Variation ID: 1443944). An algorithm developed to predict the effect of missense changes on protein structure and function (PolyPhen-2) suggests that this variant is likely to be disruptive. In summary, the available evidence is currently insufficient to determine the role of this variant in disease. Therefore, it has been classified as a Variant of Uncertain Significance.

NM_014264.5(PLK4):c.841G>T (p.Asp281Tyr)

Gene: PLK4 (polo like kinase 4; plus strand). Cytogenetic location: 4q28.1.
Variant type: single nucleotide variant.
Coding change: c.841G>T on transcript NM_014264.5 (MANE Select); coding-DNA position 841, G replaced by T.
Protein change: p.Asp281Tyr; replaces aspartic acid 281 with tyrosine.
Molecular consequence: missense variant.
Genome position (GRCh38, 1-based): chr4:127,886,211, G>T. VCF-style: chr4-127886211-G-T. GRCh37 (hg19) VCF-style: chr4-128807366-G-T.
Other names: c.745G>T, p.Asp249Tyr (NM_001190799.2); c.718G>T, p.Asp240Tyr (NM_001190801.2); short protein forms D240Y, D281Y, D249Y.
Identifiers: ClinVar variation 1443944 (VCV001443944.7), dbSNP rs1039076183, ClinGen allele CA105636875.